The following is an entry in ClinVar:

NM_030957.4(ADAMTS10):c.3282del (p.Met1095fs)

Gene: ADAMTS10 (ADAM metallopeptidase with thrombospondin type 1 motif 10; minus strand). Cytogenetic location: 19p13.2.
Variant type: Deletion.
Coding change: c.3282del on transcript NM_030957.4 (MANE Select); coding-DNA position 3282, one base deleted (G; older notation c.3282delG).
Protein change: p.Met1095fs; shifts the reading frame from methionine 1095.
Molecular consequence: frameshift variant.
Genome position (GRCh38, 1-based): chr19:8,580,923, C deleted on the plus strand (G on the coding strand, the reverse complement: ADAMTS10 is on the minus strand). VCF-style (leftmost placement, unchanged base first): chr19-8580922-TC-T. GRCh37 (hg19) VCF-style: chr19-8645806-TC-T.
Other names: c.1743del, p.Met582fs (NM_001282352.2); short protein forms M582fs, M1095fs.
Identifiers: ClinVar variation 2017635 (VCV002017635.4), dbSNP rs2512557423, ClinGen allele CA2580097152.

ClinVar aggregate classification (germline): Uncertain significance (1 of 4 stars; one submission).

Submission:

Labcorp Genetics (formerly Invitae), Labcorp
Classification: Uncertain significance. Last evaluated: 2022-07-16. Review status: criteria provided, single submitter. Criteria: Invitae Variant Classification Sherloc (09022015). Collection method: clinical testing. Allele origin: germline.
Comment: This variant is not present in population databases (gnomAD no frequency). This sequence change results in a frameshift in the ADAMTS10 gene (p.Met1095Cysfs*85). While this is not anticipated to result in nonsense mediated decay, it is expected to disrupt the last 9 amino acid(s) of the ADAMTS10 protein and extend the protein by 75 additional amino acid residues. This frameshift has been observed in individual(s) with Weill-Marchesani syndrome (Invitae). In summary, the available evidence is currently insufficient to determine the role of this variant in disease. Therefore, it has been classified as a Variant of Uncertain Significance.